The following is an entry in ClinVar:

NM_000094.4(COL7A1):c.4128_4154dup (p.Pro1390_Pro1391insLeuGlyAspProGlyProArgGlyPro)

Gene: COL7A1 (collagen type VII alpha 1 chain; minus strand). Cytogenetic location: 3p21.31.
Variant type: Duplication.
Coding change: c.4128_4154dup on transcript NM_000094.4 (MANE Select); coding-DNA positions 4128 to 4154, 27 bases duplicated (TGGACCTCGTGGACCACTGGGGGACCC).
Protein change: p.Pro1390_Pro1391insLeuGlyAspProGlyProArgGlyPro.
Molecular consequence: inframe insertion.
Genome position (GRCh38, 1-based): chr3:48,584,341-48,584,367, GGGTCCCCCAGTGGTCCACGAGGTCCA duplicated on the plus strand (TGGACCTCGTGGACCACTGGGGGACCC on the coding strand, the reverse complement: COL7A1 is on the minus strand); duplicating any 27 consecutive bases within chr3:48,584,341-48,584,370 gives the same sequence; the c. name uses the placement nearest the transcript's 3' end. VCF-style (leftmost placement, unchanged base first): chr3-48584340-T-TGGGTCCCCCAGTGGTCCACGAGGTCCA. GRCh37 (hg19) VCF-style: chr3-48621773-T-TGGGTCCCCCAGTGGTCCACGAGGTCCA.
Identifiers: ClinVar variation 4802010 (VCV004802010.1).
Genomic context (GRCh38, chr3:48,584,340, plus strand): 5'-CACTCATGAGGCTGTCACCTTCATGGCTGTTCCAGGAAGCCCTGGGGGGCCACGGGGTCC[T>TGGGTCCCCCAGTGGTCCACGAGGTCCA]GGGTCCCCCAGTGGTCCACGAGGTCCAGGGGGGCCCTGATGGAGGAGACAAAGTATAAGG-3'

ClinVar aggregate classification (germline): Uncertain significance (1 of 4 stars; one submission).

Submission:

Labcorp Genetics (formerly Invitae), Labcorp
Classification: Uncertain significance. Last evaluated: 2025-05-25. Review status: criteria provided, single submitter. Criteria: Invitae Variant Classification Sherloc (09022015). Collection method: clinical testing. Allele origin: germline.
Comment: This variant, c.4128_4154dup, results in the insertion of 9 amino acid(s) of the COL7A1 protein (p.Leu1382_Pro1390dup), but otherwise preserves the integrity of the reading frame. This variant is not present in population databases (gnomAD no frequency). This variant has not been reported in the literature in individuals affected with COL7A1-related conditions. Experimental studies and prediction algorithms are not available or were not evaluated, and the functional significance of this variant is currently unknown. In summary, the available evidence is currently insufficient to determine the role of this variant in disease. Therefore, it has been classified as a Variant of Uncertain Significance.